The following is an entry in ClinVar:

NM_015158.5(KANK1):c.2615C>G (p.Ser872Cys)

Gene: KANK1 (KN motif and ankyrin repeat domains 1; plus strand). Cytogenetic location: 9p24.3.
Variant type: single nucleotide variant.
Coding change: c.2615C>G on transcript NM_015158.5 (MANE Select); coding-DNA position 2615, C replaced by G.
Protein change: p.Ser872Cys; replaces serine 872 with cysteine.
Molecular consequence: missense variant. On other transcripts: non-coding transcript variant (1).
Genome position (GRCh38, 1-based): chr9:713,381, C>G. VCF-style: chr9-713381-C-G. GRCh37 (hg19) VCF-style: chr9-713381-C-G.
Other names: c.2615C>G, p.Ser872Cys (NM_001256876.3, NM_001256877.3, NM_001354331.2 and 2 more transcripts); c.2141C>G, p.Ser714Cys (NM_001354333.2, NM_001354335.2, NM_001354336.2 and 9 more transcripts); c.2615C>G (NM_015158.3); short protein forms S714C, S872C.
Identifiers: ClinVar variation 1301718 (VCV001301718.35), dbSNP rs148558003, ClinGen allele CA4960553.
Genomic context (GRCh38, chr9:713,381, plus strand): 5'-TCGGGGAACCTCACTCACAGATGGGCTCCCTCAACTCTCAGCTCATCAGCACCCTGTCGT[C>G]TATCAACTCTGTCATGAAATCTGCAAGCACTGAAGAGCTGAGGAACCCTGACTTCCAGAA-3'
Protein context (NP_055973.2, residues 862-882): LNSQLISTLS[Ser872Cys]INSVMKSAST

ClinVar aggregate classification (germline): Likely benign. Review status: criteria provided, multiple submitters, no conflicts (2 of 4 stars). 6 submissions from 6 submitters: Likely benign (4). 2 of the submissions do not count toward it. Last evaluated 2026-09-01.

Conditions:
KANK1-related disorder. Also called: KANK1-related condition.

Allele frequency attached by ClinVar (database versions not stated): gnomAD 0.00006 and 0.00016; TOPMed 0.00012; ESP Exome Variant Server 0.00023; gnomAD exomes 0.00029 and 0.00053; ExAC 0.00048; 1000 Genomes Project 30x 0.00078; 1000 Genomes Project 0.00080.
gnomAD v4.1: 450 of 1,614,024 alleles (0.028%); highest among the groups gnomAD compares: South Asian, 0.39%; 3 homozygotes.

Submissions (6):

CeGaT Center for Human Genetics Tuebingen
Classification: Likely benign. Last evaluated: 2026-09-01. Review status: criteria provided, single submitter. Criteria: CeGaT Center For Human Genetics Tuebingen Variant Classification Criteria Version 2. Collection method: clinical testing. Allele origin: germline. Affected: yes. Observed: 4 variant alleles.
Comment: KANK1: BS2

Blueprint Genetics
Classification: Likely benign. Last evaluated: 2024-10-08. Review status: criteria provided, single submitter. Criteria: ACMG Guidelines, 2015. Collection method: clinical testing. Allele origin: germline.

Labcorp Genetics (formerly Invitae), Labcorp
Classification: Likely benign. Last evaluated: 2023-04-26. Review status: criteria provided, single submitter. Criteria: Invitae Variant Classification Sherloc (09022015). Collection method: clinical testing. Allele origin: germline.

Dubai Health Genomic Medicine Center, Dubai Health
Classification: Likely benign. Last evaluated: 2021-03-22. Review status: criteria provided, single submitter. Criteria: ACMG Guidelines, 2015. Collection method: clinical testing. Allele origin: germline. Affected: yes.

PreventionGenetics, part of Exact Sciences
Classification: Likely benign for KANK1-related condition. Last evaluated: 2024-03-28. Review status: no assertion criteria provided. Collection method: clinical testing. Allele origin: germline. Not counted in ClinVar's aggregate classification.
Comment: This variant is classified as likely benign based on ACMG/AMP sequence variant interpretation guidelines (Richards et al. 2015 PMID: 25741868, with internal and published modifications).

Genetics and Genomic Medicine Centre, NeuroGen Healthcare, NeuroGen Healthcare
Classification: Uncertain significance. Last evaluated: 2019-12-30. Review status: no assertion criteria provided. Collection method: clinical testing. Allele origin: unknown. Affected: yes. Not counted in ClinVar's aggregate classification.